The following is an entry in ClinVar:

NM_001042545.2(LTBP4):c.3618G>A (p.Thr1206=)

Gene: LTBP4 (latent transforming growth factor beta binding protein 4; plus strand). Cytogenetic location: 19q13.2.
Variant type: single nucleotide variant.
Coding change: c.3618G>A on transcript NM_001042545.2 (MANE Select); coding-DNA position 3618, G replaced by A.
Protein change: p.Thr1206=; no amino-acid change (threonine 1206 retained).
Molecular consequence: synonymous variant.
Genome position (GRCh38, 1-based): chr19:40,623,665, G>A. VCF-style: chr19-40623665-G-A. GRCh37 (hg19) VCF-style: chr19-41129570-G-A.
Other names: c.3819G>A, p.Thr1273= (NM_001042544.1); c.3708G>A, p.Thr1236= (NM_003573.2).
Identifiers: ClinVar variation 1938771 (VCV001938771.11), dbSNP rs760022915, ClinGen allele CA9449064.
Genomic context (GRCh38, chr19:40,623,665, plus strand): 5'-CGTGGACGAATGTCAGCTCTTCCGAGACCAGGTGTGCAAGAGTGGCGTGTGTGTGAACAC[G>A]GCCCCGGGCTACTCATGCTATTGCAGCAACGGCTACTACTACCACACACAGCGGCTGGAG-3'
Protein context (NP_001036010.1, residues 1196-1216): QVCKSGVCVN[Thr1206=]APGYSCYCSN

ClinVar aggregate classification (germline): Likely benign. Review status: criteria provided, multiple submitters, no conflicts (2 of 4 stars). 2 submissions from 2 submitters: Likely benign (2). Last evaluated 2025-11-01.

Allele frequency attached by ClinVar (database versions not stated): TOPMed below 0.00001; ExAC 0.00001; gnomAD 0.00001.
gnomAD v4.1: 38 of 1,613,566 alleles (0.0024%); highest among the groups gnomAD compares: Non-Finnish European, 0.002%; no homozygotes.

Submissions (2):

CeGaT Center for Human Genetics Tuebingen
Classification: Likely benign. Last evaluated: 2025-11-01. Review status: criteria provided, single submitter. Criteria: CeGaT Center For Human Genetics Tuebingen Variant Classification Criteria Version 2. Collection method: clinical testing. Allele origin: germline. Affected: yes. Observed: 1 variant allele.
Comment: LTBP4: BP4, BP7

Labcorp Genetics (formerly Invitae), Labcorp
Classification: Likely benign. Last evaluated: 2025-10-27. Review status: criteria provided, single submitter. Criteria: Invitae Variant Classification Sherloc (09022015). Collection method: clinical testing. Allele origin: germline.